The following is an entry in ClinVar:

NM_001376.5(DYNC1H1):c.17GCG[6] (p.Gly9_Glu10insGlyGly)

Gene: DYNC1H1 (dynein cytoplasmic 1 heavy chain 1; plus strand). Cytogenetic location: 14q32.31.
Variant type: Microsatellite.
Coding change: c.17GCG[6] on transcript NM_001376.5 (MANE Select); six copies in a row of the 3-base unit GCG starting at c.17; the reference has four copies in a row; two copies, 6 bases duplicated; also written c.23_28dup.
Protein change: p.Gly9_Glu10insGlyGly.
Molecular consequence: inframe insertion. On other transcripts: inframe indel (2).
Genome position (GRCh38, 1-based): chr14:101,964,714-101,964,719, GCGGCG duplicated; duplicating any 6 consecutive bases within chr14:101,964,707-101,964,719 gives the same sequence; the position shown is the placement nearest the transcript's 3' end. VCF-style (leftmost placement, unchanged base first): chr14-101964706-G-GGGCGGC. GRCh37 (hg19) VCF-style: chr14-102431043-G-GGGCGGC.
Other names: c.17_19GCG[6], p.Gly9_Glu10insGlyGly (NM_001376.4); c.23_28dup (NM_001376.4).
Identifiers: ClinVar variation 2580525 (VCV002580525.1), dbSNP rs1566991003, ClinGen allele CA2580618130.

ClinVar aggregate classification (germline): Uncertain significance (1 of 4 stars; one submission).

Submission:

GeneDx
Classification: Uncertain significance. Last evaluated: 2023-03-25. Review status: criteria provided, single submitter. Criteria: GeneDx Variant Classification Process June 2021. Collection method: clinical testing. Allele origin: germline. Affected: yes.
Comment: Not observed at significant frequency in large population cohorts (gnomAD); In-frame duplication of two amino acids in a non-repeat region; Has not been previously published as pathogenic or benign to our knowledge